The following is an entry in ClinVar:

ClinVar aggregate classification (germline): Likely pathogenic (1 of 4 stars; one submission).

Conditions:
Autosomal recessive osteopetrosis 1. Also called: ALBERS-SCHONBERG DISEASE, AUTOSOMAL RECESSIVE; TCIRG1-Related Osteopetrosis; TCIRG1-Related Autosomal Recessive Osteopetrosis. Identifiers: Orphanet 667, MedGen C1850127, MONDO:0009815, OMIM 259700.

Allele frequency attached by ClinVar (database versions not stated): gnomAD exomes below 0.00001.

Submission:

Natera, Inc.
Classification: Likely pathogenic for Infantile malignant osteopetrosis. Last evaluated: 2025-12-29. Review status: criteria provided, single submitter. Criteria: Natera Variant Classification Schema (03/2026). Collection method: clinical testing. Allele origin: germline.
Comment: The c.1128del variant in TCIRG1 is a frameshift variant predicted to shift the reading frame beginning at codon 376 and leads to a stop codon 27 codons downstream. This variant is expected to result in nonsense mediated decay, truncation, or a dysfunctional protein product. This variant is rare in the general population with a frequency below the threshold expected for the associated phenotype(s). Given the available evidence, this variant is classified as Likely Pathogenic.

NM_006019.4(TCIRG1):c.1128del (p.Asp376fs)

Gene: TCIRG1 (T cell immune regulator 1, ATPase H+ transporting V0 subunit a3; plus strand). Cytogenetic location: 11q13.2.
Variant type: Deletion.
Coding change: c.1128del on transcript NM_006019.4 (MANE Select); coding-DNA position 1128, one base deleted (T; older notation c.1128delT).
Protein change: p.Asp376fs; shifts the reading frame from aspartic acid 376.
Molecular consequence: frameshift variant.
Genome position (GRCh38, 1-based): chr11:68,045,065, T deleted. VCF-style (leftmost placement, unchanged base first): chr11-68045064-AT-A. GRCh37 (hg19) VCF-style: chr11-67812531-AT-A.
Other names: c.1128del (NM_006019.3); c.234del, p.Asp78fs (NM_001351059.2); c.480del, p.Asp160fs (NM_006053.4); short protein forms D160fs, D376fs, D78fs.
Identifiers: ClinVar variation 2679126 (VCV002679126.3), dbSNP rs2495632459, ClinGen allele CA2574899493.